The following is an entry in ClinVar:

NM_013352.4(DSE):c.-112438G>A

Gene: DSE (dermatan sulfate epimerase; plus strand). Cytogenetic location: 6q22.1.
Variant type: single nucleotide variant.
Coding change: c.-112438G>A on transcript NM_013352.4 (MANE Select); 112438 bases upstream of the start codon, G replaced by A.
Molecular consequence: genic upstream transcript variant. On other transcripts: 5 prime UTR variant (6).
Genome position (GRCh38, 1-based): chr6:116,258,737, G>A. VCF-style: chr6-116258737-G-A. GRCh37 (hg19) VCF-style: chr6-116579900-G-A.
Other names: c.-284G>A (NM_001322937.2, NM_001322938.2, NM_001374522.1); c.-841G>A (NM_001322940.2); c.-1184G>A (NM_001374520.1); c.-871G>A (NM_001374521.1).
Identifiers: ClinVar variation 4526025 (VCV004526025.1).
Genomic context (GRCh38, chr6:116,258,737, plus strand): 5'-CACGGCGAAGTGGGGACACGTCCACAGCCTGTCGTCTCACAGTCCCGGCGCACCCAATGC[G>A]TGTGGAGTCCTCCCGGGGACCACTGTTGATGATGGCGTTCACCAGGACCTGCAGAGGGTT-3'

ClinVar aggregate classification (germline): Uncertain significance (1 of 4 stars; one submission).

gnomAD v4.1: 34 of 1,608,568 alleles (0.0021%); highest among the groups gnomAD compares: Admixed American, 0.0083%; no homozygotes.

Submission:

Women's Health and Genetics/Laboratory Corporation of America, LabCorp
Classification: Uncertain significance. Last evaluated: 2025-07-09. Review status: criteria provided, single submitter. Criteria: LabCorp Variant Classification Summary - May 2015. Collection method: clinical testing. Allele origin: germline.
Comment: Variant summary: DSE c.-112438G>A is located in the untranscribed region upstream of the DSE gene region. The variant allele was found at a frequency of 2.4e-05 in 251306 control chromosomes. The available data on variant occurrences in the general population are insufficient to allow any conclusion about variant significance. To our knowledge, no occurrence of c.-112438G>A in individuals affected with Ehlers-Danlos syndrome, musculocontractural type 2 and no experimental evidence demonstrating its impact on protein function have been reported. No submitters have cited clinical-significance assessments for this variant to ClinVar. Based on the evidence outlined above, the variant was classified as uncertain significance.